The following is an entry in ClinVar:

ClinVar aggregate classification (germline): Likely benign. Review status: criteria provided, multiple submitters, no conflicts (2 of 4 stars). 2 submissions from 2 submitters: Likely benign (2). Last evaluated 2026-04-01.

Conditions:
Myofibrillar myopathy 5. Also called: Filaminopathy (type); FILAMINOPATHY, AUTOSOMAL DOMINANT. Identifiers: Orphanet 171445, MedGen C1836050, MONDO:0012289, OMIM 609524.
Hypertrophic cardiomyopathy 26. Also called: Cardiomyopathy, familial hypertrophic, 26. Identifiers: Orphanet 75249, MedGen C4310749, MONDO:0014883, OMIM 617047.
Distal myopathy with posterior leg and anterior hand involvement. Also called: WILLIAMS DISTAL MYOPATHY. Identifiers: Orphanet 63273, MedGen C3279722, MONDO:0013550, OMIM 614065.

Allele frequency attached by ClinVar (database versions not stated): gnomAD exomes below 0.00001; TOPMed below 0.00001; ExAC 0.00001.
gnomAD v4.1: 20 of 1,612,476 alleles (0.0012%); highest among the groups gnomAD compares: East Asian, 0.016%; no homozygotes.

Submissions (2):

CeGaT Center for Human Genetics Tuebingen
Classification: Likely benign. Last evaluated: 2026-04-01. Review status: criteria provided, single submitter. Criteria: CeGaT Center For Human Genetics Tuebingen Variant Classification Criteria Version 2. Collection method: clinical testing. Allele origin: germline. Affected: yes. Observed: 1 variant allele.
Comment: FLNC: BP4, BP7

Labcorp Genetics (formerly Invitae), Labcorp
Classification: Likely benign for Distal myopathy with posterior leg and anterior hand involvement; Myofibrillar myopathy 5; Hypertrophic cardiomyopathy 26. Last evaluated: 2025-11-26. Review status: criteria provided, single submitter. Criteria: Invitae Variant Classification Sherloc (09022015). Collection method: clinical testing. Allele origin: germline.

NM_001458.5(FLNC):c.873C>T (p.Thr291=)

Gene: FLNC (filamin C; plus strand). Cytogenetic location: 7q32.1.
Variant type: single nucleotide variant.
Coding change: c.873C>T on transcript NM_001458.5 (MANE Select); coding-DNA position 873, C replaced by T.
Protein change: p.Thr291=; no amino-acid change (threonine 291 retained).
Molecular consequence: synonymous variant.
Genome position (GRCh38, 1-based): chr7:128,837,659, C>T. VCF-style: chr7-128837659-C-T. GRCh37 (hg19) VCF-style: chr7-128477713-C-T.
Other names: c.873C>T, p.Thr291= (NM_001127487.2).
Identifiers: ClinVar variation 1136369 (VCV001136369.11), dbSNP rs749823519, ClinGen allele CA4474158.